The following is an entry in ClinVar:

NM_001042492.3(NF1):c.4225A>G (p.Met1409Val)

Gene: NF1 (neurofibromin 1; plus strand). Cytogenetic location: 17q11.2.
Variant type: single nucleotide variant.
Coding change: c.4225A>G on transcript NM_001042492.3 (MANE Select); coding-DNA position 4225, A replaced by G.
Protein change: p.Met1409Val; replaces methionine 1409 with valine.
Molecular consequence: missense variant.
Genome position (GRCh38, 1-based): chr17:31,258,395, A>G. VCF-style: chr17-31258395-A-G. GRCh37 (hg19) VCF-style: chr17-29585413-A-G.
Other names: c.4162A>G, p.Met1388Val (NM_000267.4); short protein forms M1409V, M1388V.
Identifiers: ClinVar variation 404589 (VCV000404589.8), dbSNP rs1060500369, ClinGen allele CA16615247.

ClinVar aggregate classification (germline): Conflicting classifications of pathogenicity. Review status: criteria provided, conflicting classifications (1 of 4 stars). 2 submissions from 2 submitters: Uncertain significance (1); Benign (1). Last evaluated 2025-10-07.

Conditions:
Hereditary cancer-predisposing syndrome. Also called: Tumor predisposition; Neoplastic Syndromes, Hereditary; Hereditary Cancer Syndrome; Hereditary neoplastic syndrome. Identifiers: Orphanet 140162, MedGen C0027672, MeSH D009386, MONDO:0015356.
Cardiovascular phenotype. Identifiers: MedGen CN230736.
Neurofibromatosis, type 1 (NF1). Also called: Neurofibromatosis, type I; NEUROFIBROMATOSIS, TYPE I, SOMATIC; Peripheral type neurofibromatosis; VON RECKLINGHAUSEN DISEASE. Identifiers: Orphanet 636, MedGen C0027831, MONDO:0018975, OMIM 162200. Disease mechanism: loss of function.

Allele frequency attached by ClinVar (database versions not stated): TOPMed below 0.00001; gnomAD 0.00001; gnomAD exomes 0.00001.

Submissions (2):

Labcorp Genetics (formerly Invitae), Labcorp
Classification: Benign for Neurofibromatosis, type 1. Last evaluated: 2025-10-07. Review status: criteria provided, single submitter. Criteria: Invitae Variant Classification Sherloc (09022015). Collection method: clinical testing. Allele origin: germline.

Ambry Genetics
Classification: Uncertain significance for Cardiovascular phenotype; Hereditary cancer-predisposing syndrome. Last evaluated: 2024-09-04. Review status: criteria provided, single submitter. Criteria: Ambry Variant Classification Scheme 2023. Collection method: clinical testing. Allele origin: germline.
Comment: The p.M1388V variant (also known as c.4162A>G), located in coding exon 31 of the NF1 gene, results from an A to G substitution at nucleotide position 4162. The methionine at codon 1388 is replaced by valine, an amino acid with highly similar properties. This amino acid position is highly conserved in available vertebrate species. In addition, this alteration is predicted to be deleterious by in silico analysis. Since supporting evidence is limited at this time, the clinical significance of this alteration remains unclear.